The following is an entry in ClinVar:

ClinVar aggregate classification (germline): Likely pathogenic. Review status: criteria provided, multiple submitters, no conflicts (2 of 4 stars). 3 submissions from 3 submitters: Likely pathogenic (2). 1 of the submissions does not count toward it. Last evaluated 2019-01-25.

Conditions:
KIF7-related disorder. Also called: KIF7-related condition.
Acrocallosal syndrome (ACLS). Also called: HALLUX DUPLICATION, POSTAXIAL POLYDACTYLY, AND ABSENCE OF CORPUS CALLOSUM; Schinzel syndrome 1; Absence of corpus callosum with unusual facial appearance, mental deficiency, duplication of the halluces and polydactyly. Identifiers: Orphanet 36, MedGen C0796147, MONDO:0008708, OMIM 200990.

Allele frequency attached by ClinVar (database versions not stated): gnomAD exomes below 0.00001.
gnomAD v4.1: 2 of 1,603,088 alleles (0.00012%); highest among the groups gnomAD compares: Non-Finnish European, 0.00017%; no homozygotes.

Submissions (3):

Blueprint Genetics
Classification: Likely pathogenic for KIF7-related disorders. Last evaluated: 2019-01-25. Review status: criteria provided, single submitter. Criteria: ACMG Guidelines, 2015. Collection method: clinical testing. Allele origin: germline. Affected: yes. Observed: 1 variant allele.

Labcorp Genetics (formerly Invitae), Labcorp
Classification: Likely pathogenic for Acrocallosal syndrome. Last evaluated: 2017-08-18. Review status: criteria provided, single submitter. Criteria: Invitae Variant Classification Sherloc (09022015). Collection method: clinical testing. Allele origin: germline.
Comment: This variant has not been reported in the literature in individuals with KIF7-related disease. This sequence change affects an acceptor splice site in intron 17 of the KIF7 gene. It is expected to disrupt RNA splicing and likely results in an absent or disrupted protein product. This variant is not present in population databases (ExAC no frequency). Algorithms developed to predict the effect of sequence changes on RNA splicing suggest that this variant may disrupt the consensus splice site, but this prediction has not been confirmed by published transcriptional studies. Donor and acceptor splice site variants typically lead to a loss of protein function (PMID: 16199547), and loss-of-function variants in KIF7 are known to be pathogenic (PMID: 19666503, 21552264, 21633164, 26648833). In summary, the currently available evidence indicates that the variant is pathogenic, but additional data are needed to prove that conclusively. Therefore, this variant has been classified as Likely Pathogenic.

Gharavi Laboratory, Columbia University
Classification: Uncertain significance. Last evaluated: 2018-09-16. Review status: no assertion criteria provided. Criteria: ACMG Guidelines, 2015. Collection method: research. Allele origin: germline. Affected: yes. Not counted in ClinVar's aggregate classification.

Literature cited by the submitters: PubMed 16199547 (cited by Labcorp Genetics (formerly Invitae), Labcorp); PubMed 19666503 (cited by Labcorp Genetics (formerly Invitae), Labcorp); PubMed 21552264 (cited by Labcorp Genetics (formerly Invitae), Labcorp); PubMed 21633164 (cited by Labcorp Genetics (formerly Invitae), Labcorp); PubMed 26648833 (cited by Labcorp Genetics (formerly Invitae), Labcorp).

NM_198525.3(KIF7):c.3518-1G>C

Genes: KIF7 (kinesin family member 7; minus strand), LOC126862216 (BRD4-independent group 4 enhancer GRCh37_chr15:90171995-90173194; plus strand). Cytogenetic location: 15q26.1.
Variant type: single nucleotide variant.
Coding change: c.3518-1G>C on transcript NM_198525.3 (MANE Select); the canonical splice acceptor site of the intron before coding-DNA position 3518, G replaced by C.
Molecular consequence: splice acceptor variant.
Genome position (GRCh38, 1-based): chr15:89,629,123, C>G on the plus strand (G>C on the coding strand, the complement: KIF7 is on the minus strand). VCF-style: chr15-89629123-C-G. GRCh37 (hg19) VCF-style: chr15-90172354-C-G.
Identifiers: ClinVar variation 568940 (VCV000568940.8), dbSNP rs1567057019, ClinGen allele CA393754386.
Genomic context (GRCh38, chr15:89,629,123, plus strand): 5'-GAGCTTGAATCCGGGCCTCATACTGCCTCCTGCTGTCTGCTAACCCTTCACCGAGGTGGT[C>G]TAGAGTGGAAAGGTCGAGGAGAGGGTGGTGAGGGCTGCAGGCGGGGCAGGCGGCCAGGGC-3'